The following is an entry in ClinVar:

NM_014994.3(MAPKBP1):c.3339C>T (p.Ser1113=)

Gene: MAPKBP1 (mitogen-activated protein kinase binding protein 1; plus strand). Cytogenetic location: 15q15.1.
Variant type: single nucleotide variant.
Coding change: c.3339C>T on transcript NM_014994.3 (MANE Select); coding-DNA position 3339, C replaced by T.
Protein change: p.Ser1113=; no amino-acid change (serine 1113 retained).
Molecular consequence: synonymous variant. On other transcripts: non-coding transcript variant (2).
Genome position (GRCh38, 1-based): chr15:41,822,963, C>T. VCF-style: chr15-41822963-C-T. GRCh37 (hg19) VCF-style: chr15-42115161-C-T.
Other names: c.3357C>T, p.Ser1119= (NM_001128608.2); c.3339C>T, p.Ser1113= (NM_001265611.2).
Identifiers: ClinVar variation 733613 (VCV000733613.36), dbSNP rs146351506, ClinGen allele CA7498562.
Genomic context (GRCh38, chr15:41,822,963, plus strand): 5'-CTTCTCTGGGCCTTCTCCCACATGTTCTCCCTGTAGGGAACCATCCCCATCCTCCTCAAG[C>T]CTGGCACTGATGTCGAGACCAGCCCAGGTGCCACAGGCATCTGGTGAGCAGCCGAGAGGC-3'
Protein context (NP_055809.2, residues 1103-1123): PLREPSPSSS[Ser1113=]LALMSRPAQV

ClinVar aggregate classification (germline): Benign/Likely benign. Review status: criteria provided, multiple submitters, no conflicts (2 of 4 stars). 4 submissions from 4 submitters: Benign (1); Likely benign (1). 2 of the submissions do not count toward it. Last evaluated 2025-12-01.

Conditions:
MAPKBP1-related disorder. Also called: MAPKBP1-related condition.

Allele frequency attached by ClinVar (database versions not stated): gnomAD exomes 0.00037; ExAC 0.00057; 1000 Genomes Project 30x 0.00156; TOPMed 0.00164; gnomAD 0.00171 and 0.00179; 1000 Genomes Project 0.00180; ESP Exome Variant Server 0.00192.
gnomAD v4.1: 441 of 1,612,902 alleles (0.027%); highest among the groups gnomAD compares: African/African-American, 0.52%; 1 homozygote.

Submissions (4):

Labcorp Genetics (formerly Invitae), Labcorp
Classification: Benign. Last evaluated: 2025-12-01. Review status: criteria provided, single submitter. Criteria: Invitae Variant Classification Sherloc (09022015). Collection method: clinical testing. Allele origin: germline.

CeGaT Center for Human Genetics Tuebingen
Classification: Likely benign. Last evaluated: 2022-09-01. Review status: criteria provided, single submitter. Criteria: CeGaT Center For Human Genetics Tuebingen Variant Classification Criteria Version 2. Collection method: clinical testing. Allele origin: germline. Affected: yes. Observed: 1 variant allele.
Comment: MAPKBP1: BP4, BP7

Genetic Services Laboratory, University of Chicago
Classification: Likely benign. Last evaluated: 2022-07-20. Review status: no assertion criteria provided. Collection method: clinical testing. Allele origin: germline. Affected: no. Not counted in ClinVar's aggregate classification.

PreventionGenetics, part of Exact Sciences
Classification: Likely benign for MAPKBP1-related condition. Last evaluated: 2019-04-05. Review status: no assertion criteria provided. Collection method: clinical testing. Allele origin: germline. Not counted in ClinVar's aggregate classification.
Comment: This variant is classified as likely benign based on ACMG/AMP sequence variant interpretation guidelines (Richards et al. 2015 PMID: 25741868, with internal and published modifications).